The following is an entry in ClinVar:

ClinVar aggregate classification (germline): Conflicting classifications of pathogenicity. Review status: criteria provided, conflicting classifications (1 of 4 stars). 3 submissions from 3 submitters: Uncertain significance (2); Likely benign (1). Last evaluated 2025-12-23.

Allele frequency attached by ClinVar (database versions not stated): ExAC 0.00003; gnomAD 0.00003 and 0.00004; gnomAD exomes 0.00004 and 0.00006; TOPMed 0.00005.
gnomAD v4.1: 96 of 1,613,540 alleles (0.0059%); highest among the groups gnomAD compares: Non-Finnish European, 0.0078%; no homozygotes.

Submissions (3):

Women's Health and Genetics/Laboratory Corporation of America, LabCorp
Classification: Uncertain significance. Last evaluated: 2025-12-23. Review status: criteria provided, single submitter. Criteria: LabCorp Variant Classification Summary - May 2015. Collection method: clinical testing. Allele origin: germline.
Comment: Variant summary: TFAP2A c.515-3C>T alters a nucleotide located close to a canonical splice site and therefore could affect mRNA splicing, leading to a significantly altered protein sequence. Consensus agreement among computation tools predict no significant impact on normal splicing. However, these predictions have yet to be confirmed by functional studies. The variant allele was found at a frequency of 4e-05 in 250754 control chromosomes. This frequency is not significantly higher than estimated for disease-causing variants in TFAP2A, allowing no conclusion about variant significance. To our knowledge, no occurrence of c.515-3C>T in individuals affected with TFAP2A-related conditions and no experimental evidence demonstrating its impact on protein function have been reported. ClinVar contains an entry for this variant (Variation ID: 1215515). Based on the evidence outlined above, the variant was classified as uncertain significance.

Labcorp Genetics (formerly Invitae), Labcorp
Classification: Uncertain significance. Last evaluated: 2024-04-25. Review status: criteria provided, single submitter. Criteria: Invitae Variant Classification Sherloc (09022015). Collection method: clinical testing. Allele origin: germline.
Comment: This sequence change falls in intron 3 of the TFAP2A gene. It does not directly change the encoded amino acid sequence of the TFAP2A protein. It affects a nucleotide within the consensus splice site. This variant is present in population databases (rs757530487, gnomAD 0.007%). This variant has not been reported in the literature in individuals affected with TFAP2A-related conditions. ClinVar contains an entry for this variant (Variation ID: 1215515). Variants that disrupt the consensus splice site are a relatively common cause of aberrant splicing (PMID: 17576681, 9536098). Algorithms developed to predict the effect of sequence changes on RNA splicing suggest that this variant is not likely to affect RNA splicing. In summary, the available evidence is currently insufficient to determine the role of this variant in disease. Therefore, it has been classified as a Variant of Uncertain Significance.

GeneDx
Classification: Likely benign. Last evaluated: 2019-07-31. Review status: criteria provided, single submitter. Criteria: GeneDx Variant Classification Process June 2021. Collection method: clinical testing. Allele origin: germline. Affected: yes.

Literature cited by the submitters: PubMed 17576681 (cited by Labcorp Genetics (formerly Invitae), Labcorp); PubMed 9536098 (cited by Labcorp Genetics (formerly Invitae), Labcorp).

NM_001372066.1(TFAP2A):c.539-3C>T

Genes: TFAP2A (transcription factor AP-2 alpha; minus strand), TFAP2A-AS2 (TFAP2A antisense RNA 2; plus strand), LOC121740638 (BRD4-independent group 4 enhancer GRCh37_chr6:10403277-10404476; plus strand). Cytogenetic location: 6p24.3.
Variant type: single nucleotide variant.
Coding change: c.539-3C>T on transcript NM_001372066.1 (MANE Select); 3 bases into the intron before coding-DNA position 539, C replaced by T.
Molecular consequence: intron variant. On other transcripts: non-coding transcript variant (1).
Genome position (GRCh38, 1-based): chr6:10,404,742, G>A on the plus strand (C>T on the coding strand, the complement: TFAP2A is on the minus strand). VCF-style: chr6-10404742-G-A. GRCh37 (hg19) VCF-style: chr6-10404975-G-A.
Other names: c.521-3C>T (NM_001042425.3); c.515-3C>T (NM_001032280.3).
Identifiers: ClinVar variation 1215515 (VCV001215515.9), dbSNP rs757530487, ClinGen allele CA3631295.
Genomic context (GRCh38, chr6:10,404,742, plus strand): 5'-TTGTTAATAGGGATGGCGGAGACGGCATTGCTGTTGGACTTGGACAGGGACACGGGGCCT[G>A]CGGAGACAGAGGGGAGGCCGCGTGTTGGGCGTCGTGGATCACCCCCAAATCCTGCCCGAC-3'